The following is an entry in ClinVar:

ClinVar aggregate classification (germline): Uncertain significance. Review status: criteria provided, multiple submitters, no conflicts (2 of 4 stars). 3 submissions from 3 submitters: Uncertain significance (3). Last evaluated 2026-08-07.

Conditions:
Hereditary cancer-predisposing syndrome. Also called: Hereditary Cancer Syndrome; Neoplastic Syndromes, Hereditary; Hereditary neoplastic syndrome; Tumor predisposition. Identifiers: Orphanet 140162, MedGen C0027672, MeSH D009386, MONDO:0015356.
Retinoblastoma (RB1). Also called: RETINOBLASTOMA, SOMATIC. Identifiers: Orphanet 790, MedGen C0035335, MeSH D012175, MONDO:0008380, OMIM 180200, HP:0009919. Disease mechanism: loss of function. Inheritance: Both sporadic and heritable forms are tested..

Allele frequency attached by ClinVar (database versions not stated): gnomAD 0.00001; TOPMed below 0.00001.
gnomAD v4.1: 1 of 1,605,394 alleles (0.000062%); highest among the groups gnomAD compares: Non-Finnish European, 0.000085%; no homozygotes.

Submissions (3):

Ambry Genetics
Classification: Uncertain significance for Hereditary cancer-predisposing syndrome. Last evaluated: 2026-08-07. Review status: criteria provided, single submitter. Criteria: Ambry Variant Classification Scheme 2023. Collection method: clinical testing. Allele origin: germline.
Comment: The p.K729T variant (also known as c.2186A>C), located in coding exon 21 of the RB1 gene, results from an A to C substitution at nucleotide position 2186. The lysine at codon 729 is replaced by threonine, an amino acid with similar properties. This amino acid position is highly conserved in available vertebrate species. In addition, this alteration is predicted to be deleterious by in silico analysis. Based on the available evidence, the clinical significance of this variant remains unclear.

Labcorp Genetics (formerly Invitae), Labcorp
Classification: Uncertain significance for Retinoblastoma. Last evaluated: 2025-04-16. Review status: criteria provided, single submitter. Criteria: Invitae Variant Classification Sherloc (09022015). Collection method: clinical testing. Allele origin: germline.
Comment: This sequence change replaces lysine, which is basic and polar, with threonine, which is neutral and polar, at codon 729 of the RB1 protein (p.Lys729Thr). This variant is not present in population databases (gnomAD no frequency). This variant has not been reported in the literature in individuals affected with RB1-related conditions. ClinVar contains an entry for this variant (Variation ID: 1395967). Invitae Evidence Modeling of protein sequence and biophysical properties (such as structural, functional, and spatial information, amino acid conservation, physicochemical variation, residue mobility, and thermodynamic stability) indicates that this missense variant is expected to disrupt RB1 protein function with a positive predictive value of 80%. In summary, the available evidence is currently insufficient to determine the role of this variant in disease. Therefore, it has been classified as a Variant of Uncertain Significance.

All of Us Research Program, National Institutes of Health
Classification: Uncertain significance for Retinoblastoma. Last evaluated: 2023-03-09. Review status: criteria provided, single submitter. Criteria: ACMG Guidelines, 2015. Collection method: clinical testing. Allele origin: germline. Inheritance: Autosomal dominant inheritance. Observed: 1 variant allele, 1 heterozygote.
Comment: This missense variant replaces lysine with threonine at codon 729 of the RB1 protein. Computational prediction suggests that this variant may have deleterious impact on protein structure and function (internally defined REVEL score threshold >= 0.7, PMID: 27666373). To our knowledge, functional studies have not been reported for this variant. This variant has not been reported in individuals affected with hereditary cancer in the literature. This variant has not been identified in the general population by the Genome Aggregation Database (gnomAD). The available evidence is insufficient to determine the role of this variant in disease conclusively. Therefore, this variant is classified as a Variant of Uncertain Significance.

This study involves interpretation of variants in research participants for the purpose of population health screening. Participant phenotype was not available at the time of variant classification. Additional details can be found in publication PMID: 35346344, PMCID: PMC8962531

NM_000321.3(RB1):c.2186A>C (p.Lys729Thr)

Gene: RB1 (RB transcriptional corepressor 1; plus strand). Cytogenetic location: 13q14.2.
Variant type: single nucleotide variant.
Coding change: c.2186A>C on transcript NM_000321.3 (MANE Select); coding-DNA position 2186, A replaced by C.
Protein change: p.Lys729Thr; replaces lysine 729 with threonine.
Molecular consequence: missense variant.
Genome position (GRCh38, 1-based): chr13:48,463,810, A>C. VCF-style: chr13-48463810-A-C. GRCh37 (hg19) VCF-style: chr13-49037946-A-C.
Other names: short protein forms K729T.
Identifiers: ClinVar variation 1395967 (VCV001395967.11), dbSNP rs150600740, ClinGen allele CA388167184.